The following is an entry in ClinVar:

ClinVar aggregate classification (germline): Pathogenic. Review status: criteria provided, single submitter (1 of 4 stars). 3 submissions from 3 submitters: Pathogenic (1). 2 of the submissions do not count toward it. Last evaluated 2026-01-10.

Conditions:
Autosomal dominant nonsyndromic hearing loss 3A. Identifiers: Orphanet 90635, MedGen C2675750, MONDO:0011103, OMIM 601544.

Submissions (3):

Department of Otolaryngology-Head and Neck Surgery, Shanghai Jiao Tong University Affiliated Sixth People’s Hospital
Classification: Pathogenic for Autosomal dominant nonsyndromic hearing loss 3A. Last evaluated: 2026-01-10. Review status: criteria provided, single submitter. Criteria: ACMG Guidelines, 2015. Collection method: provider interpretation. Allele origin: de novo. Inheritance: Autosomal dominant inheritance. Affected: yes. Observed: 1 variant allele, 1 heterozygote.
Comment: Variant: GJB2(NM_004004.6):c.535G>Ap.(Asp179Asn), chr13-20763186-C-T. Evidence codes：PS2_very strong+PS3_Moderate + PS4_Supporting + PM2_Supporting + PM5_Supporting + PP1 + PP3_Supporting+PP4). 2.PS3_Moderate： The results of in vitro cell experiments showed that this mutation affects the function of GJB2 (PMID: 20096356). 3.PS4_Supporting: In a family that conforms to dominant inheritance, three affected members carry the variant (PMID: 12786758). 4.PM2_Supporting: Analysis of ESP database, thousand person database, and gnomAD database shows that the highest population frequency of this mutation site is 0. 5.PM5_Supporting: NM-004004.6 (GJB2): c.535G>C (p.Asp179His); Variation ID: 550847 Accession: VCV000550847.11). 6.PP1: It has been reported that three patients in one family carry this heterozygous variation (PMID: 12786758). 7.PP3_Supporting: Multiple computer prediction tools (such as REVEL score of 0.776) support the harmful effects of this mutation on protein function. Therefore, this variant is classified as "pathogenic" according to the criteria.

OMIM
Classification: Pathogenic for DEAFNESS, AUTOSOMAL DOMINANT 3A. Last evaluated: 2003-06-01. Review status: no assertion criteria provided. Collection method: literature only. Allele origin: germline. Not counted in ClinVar's aggregate classification.

GeneReviews
No classification provided. Condition: Autosomal dominant nonsyndromic hearing loss 3A. Review status: no classification provided. Collection method: literature only. Allele origin: germline. Not counted in ClinVar's aggregate classification.

Literature cited by the submitters: PubMed 12786758 (cited by Department of Otolaryngology-Head and Neck Surgery, Shanghai Jiao Tong University Affiliated Sixth People’s Hospital and OMIM); PubMed 20096356 (cited by Department of Otolaryngology-Head and Neck Surgery, Shanghai Jiao Tong University Affiliated Sixth People’s Hospital); NCBI Bookshelf NBK1536 (cited by GeneReviews).

NM_004004.6(GJB2):c.535G>A (p.Asp179Asn)

Gene: GJB2 (gap junction protein beta 2; minus strand). Cytogenetic location: 13q12.11.
Variant type: single nucleotide variant.
Coding change: c.535G>A on transcript NM_004004.6 (MANE Select); coding-DNA position 535, G replaced by A.
Protein change: p.Asp179Asn; replaces aspartic acid 179 with asparagine.
Molecular consequence: missense variant.
Genome position (GRCh38, 1-based): chr13:20,189,047, C>T on the plus strand (G>A on the coding strand, the complement: GJB2 is on the minus strand). VCF-style: chr13-20189047-C-T. GRCh37 (hg19) VCF-style: chr13-20763186-C-T.
Other names: short protein forms D179N.
Identifiers: ClinVar variation 17026 (VCV000017026.4), dbSNP rs28931595, ClinGen allele CA257681.